The following is an entry in ClinVar:

NM_000138.5(FBN1):c.8525_8529del (p.Leu2842fs)

Gene: FBN1 (fibrillin 1; minus strand). Cytogenetic location: 15q21.1.
Variant type: Deletion.
Coding change: c.8525_8529del on transcript NM_000138.5 (MANE Select); coding-DNA positions 8525 to 8529, 5 bases deleted (TTAAC; older notation c.8525_8529delTTAAC).
Protein change: p.Leu2842fs; shifts the reading frame from leucine 2842.
Molecular consequence: frameshift variant.
Genome position (GRCh38, 1-based): chr15:48,411,077-48,411,081, GTTAA deleted on the plus strand (TTAAC on the coding strand, the reverse complement: FBN1 is on the minus strand); deleting any 5 consecutive bases within chr15:48,411,077-48,411,084 gives the same sequence; the c. name uses the placement nearest the transcript's 3' end. VCF-style (leftmost placement, unchanged base first): chr15-48411076-GGTTAA-G. GRCh37 (hg19) VCF-style: chr15-48703273-GGTTAA-G.
Other names: c.8525_8529delTTAAC (NM_000138.4); short protein forms L2842fs.
Identifiers: ClinVar variation 419823 (VCV000419823.17), dbSNP rs1064794130, ClinGen allele CA16619937.

ClinVar aggregate classification (germline): Pathogenic/Likely pathogenic. Review status: criteria provided, multiple submitters, no conflicts (2 of 4 stars). 8 submissions from 8 submitters: Pathogenic (6); Likely pathogenic (1). 1 of the submissions does not count toward it. Last evaluated 2025-12-26.

Conditions:
Marfan Syndrome/Loeys-Dietz Syndrome/Familial Thoracic Aortic Aneurysms and Dissections. Identifiers: MedGen CN229799.
Marfan syndrome (MFS). Also called: MARFAN SYNDROME, TYPE I; FBN1-Related Marfan Syndrome; Marfan syndrome type 1; Marfan's syndrome; Marfan syndrome, classic. Identifiers: Orphanet 284963, Orphanet 558, MedGen C0024796, MONDO:0007947, OMIM 154700.
Familial thoracic aortic aneurysm and aortic dissection (TAAD). Also called: Thoracic aortic aneurysms and dissections. Identifiers: Orphanet 91387, MedGen C4707243, MONDO:0019625.
FBN1-related disorder. Also called: FBN1-related disorders.

Submissions (8):

Labcorp Genetics (formerly Invitae), Labcorp
Classification: Pathogenic for Marfan syndrome; Familial thoracic aortic aneurysm and aortic dissection. Last evaluated: 2025-12-26. Review status: criteria provided, single submitter. Criteria: Invitae Variant Classification Sherloc (09022015). Collection method: clinical testing. Allele origin: germline.
Comment: This sequence change creates a premature translational stop signal (p.Leu2842Profs*7) in the FBN1 gene. While this is not anticipated to result in nonsense mediated decay, it is expected to disrupt the last 30 amino acid(s) of the FBN1 protein. This variant is not present in population databases (gnomAD no frequency). This premature translational stop signal has been observed in individual(s) with clinical features of FBN1-related conditions (PMID: 10756346, 19618372, 27611364). ClinVar contains an entry for this variant (Variation ID: 419823). This variant disrupts a region of the FBN1 protein in which other variant(s) (p.Gln2867*) have been determined to be pathogenic (PMID: 19293843). This suggests that this is a clinically significant region of the protein, and that variants that disrupt it are likely to be disease-causing. For these reasons, this variant has been classified as Pathogenic.

Genomic Medicine Center of Excellence, King Faisal Specialist Hospital and Research Centre
Classification: Likely pathogenic for Marfan syndrome. Last evaluated: 2024-04-04. Review status: criteria provided, single submitter. Criteria: ACMG Guidelines, 2015. Collection method: clinical testing. Allele origin: germline.

GeneDx
Classification: Pathogenic. Last evaluated: 2023-06-12. Review status: criteria provided, single submitter. Criteria: GeneDx Variant Classification Process June 2021. Collection method: clinical testing. Allele origin: germline. Affected: yes.
Comment: Not observed at significant frequency in large population cohorts (gnomAD); Frameshift variant predicted to result in protein truncation, as the last 30 amino acids are replaced with 6 different amino acids, and other loss-of-function variants have been reported downstream in HGMD; This variant is associated with the following publications: (PMID: 16220557, 19618372, 19839986, 10756346, 32679894, 33910934, 27611364, 24161884, 31098894, 12938084)

Blueprint Genetics
Classification: Pathogenic for FBN1-related disorders. Last evaluated: 2022-06-20. Review status: criteria provided, single submitter. Criteria: ACMG Guidelines, 2015. Collection method: clinical testing. Allele origin: germline. Affected: yes. Observed: 2 variant alleles.

Women's Health and Genetics/Laboratory Corporation of America, LabCorp
Classification: Pathogenic for Marfan Syndrome/Loeys-Dietz Syndrome/Familial Thoracic Aortic Aneurysms and Dissections. Last evaluated: 2020-10-19. Review status: criteria provided, single submitter. Criteria: LabCorp Variant Classification Summary - May 2015. Collection method: clinical testing. Allele origin: germline.
Comment: Variant summary: FBN1 c.8525_8529delTTAAC (p.Leu2842ProfsX7) results in a premature termination codon, predicted to cause a truncation of the encoded protein or absence of the protein due to nonsense mediated decay, which are commonly known mechanisms for disease. Truncations downstream of this position have been classified as pathogenic in ClinVar database. The variant was absent in 251280 control chromosomes (gnomAD and publication data). c.8525_8529delTTAAC has been reported in the literature in individuals affected with Marfan Syndrome (Paiz_2000, Hung_2009, Magyar_2009, Aalberts_2014). These data indicate that the variant is likely to be associated with disease. To our knowledge, no experimental evidence demonstrating an impact on protein function has been reported. Four ClinVar submitters (evaluation after 2014) cite the variant as pathogenic (3x) and uncertain significance (1x). Based on the evidence outlined above, the variant was classified as pathogenic.

Ambry Genetics
Classification: Pathogenic for Familial thoracic aortic aneurysm and aortic dissection. Last evaluated: 2019-04-04. Review status: criteria provided, single submitter. Criteria: Ambry Variant Classification Scheme 2023. Collection method: clinical testing. Allele origin: germline.
Comment: The c.8525_8529delTTAAC pathogenic mutation, located in coding exon 65 of the FBN1 gene, results from a deletion of 5 nucleotides at nucleotide positions 8525 to 8529, causing a translational frameshift with a predicted alternate stop codon (p.L2842Pfs*7). This mutation has been reported in multiple individuals with Marfan syndrome (Palz M et al. Am. J. Med. Genet., 2000 Mar;91:212-21; Rommel K et al. Hum. Mutat., 2005 Dec;26:529-39; Hung CC et al. Ann. Hum. Genet., 2009 Nov;73:559-67; Magyar I et al. Hum. Mutat., 2009 Sep;30:1355-64). In addition to the clinical data presented in the literature, this alteration is expected to result in loss of function by premature protein truncation or nonsense-mediated mRNA decay. As such, this alteration is interpreted as a disease-causing mutation.

Center for Human Genetics, Inc
Classification: Pathogenic for Marfan syndrome. Last evaluated: 2016-11-01. Review status: criteria provided, single submitter. Criteria: ACMG Guidelines, 2015. Collection method: clinical testing. Allele origin: germline. Affected: yes.

Center for Medical Genetics Ghent, University of Ghent
Classification: Uncertain significance for Marfan syndrome. Last evaluated: 2017-11-07. Review status: no assertion criteria provided. Collection method: clinical testing. Allele origin: germline. Affected: yes. Not counted in ClinVar's aggregate classification.

Literature cited by the submitters: PubMed 10756346 (cited by 3 submitters); PubMed 19618372 (cited by 3 submitters); PubMed 27611364 (cited by Labcorp Genetics (formerly Invitae), Labcorp); PubMed 19293843 (cited by Labcorp Genetics (formerly Invitae), Labcorp); PubMed 12938084 (cited by Women's Health and Genetics/Laboratory Corporation of America, LabCorp); PubMed 19328768 (cited by Women's Health and Genetics/Laboratory Corporation of America, LabCorp); PubMed 19839986 (cited by Women's Health and Genetics/Laboratory Corporation of America, LabCorp and Ambry Genetics); PubMed 24161884 (cited by Women's Health and Genetics/Laboratory Corporation of America, LabCorp and Ambry Genetics); PubMed 21034599 (cited by Women's Health and Genetics/Laboratory Corporation of America, LabCorp); PubMed 16220557 (cited by Ambry Genetics).